The following is an entry in ClinVar:

NM_001256071.3(RNF213):c.13913C>T (p.Thr4638Ile)

Genes: RNF213 (ring finger protein 213; plus strand), RNF213-AS1 (RNF213 antisense RNA 1; minus strand). Cytogenetic location: 17q25.3.
Variant type: single nucleotide variant.
Coding change: c.13913C>T on transcript NM_001256071.3 (MANE Select); coding-DNA position 13913, C replaced by T.
Protein change: p.Thr4638Ile; replaces threonine 4638 with isoleucine.
Molecular consequence: missense variant.
Genome position (GRCh38, 1-based): chr17:80,381,662, C>T. VCF-style: chr17-80381662-C-T. GRCh37 (hg19) VCF-style: chr17-78355462-C-T.
Other names: c.13913C>T (NM_001256071.1); short protein forms T4638I.
Identifiers: ClinVar variation 732437 (VCV000732437.23), dbSNP rs141301945, ClinGen allele CA8822782.

ClinVar aggregate classification (germline): Conflicting classifications of pathogenicity. Review status: criteria provided, conflicting classifications (1 of 4 stars). 5 submissions from 5 submitters: Uncertain significance (3); Likely benign (2). Last evaluated 2026-07-27.

Conditions:
RNF213-related disorder. Also called: RNF213-related condition.

Allele frequency attached by ClinVar (database versions not stated): 1000 Genomes Project 30x 0.00031; 1000 Genomes Project 0.00040; gnomAD 0.00051 and 0.00054; TOPMed 0.00062; ExAC 0.00063; gnomAD exomes 0.00068 and 0.00080; ESP Exome Variant Server 0.00100.
gnomAD v4.1: 1,257 of 1,614,206 alleles (0.078%); highest among the groups gnomAD compares: Middle Eastern, 0.23%; 3 homozygotes.

Submissions (5):

PreventionGenetics, part of Exact Sciences
Classification: Uncertain significance for RNF213-related condition. Last evaluated: 2026-07-27. Review status: criteria provided, single submitter. Criteria: ACMG Guidelines, 2015. Collection method: clinical testing. Allele origin: germline.
Comment: The RNF213 c.13913C>T variant is predicted to result in the amino acid substitution p.Thr4638Ile. This variant has been reported in two individuals with Moyamoya disease or chronic thromboembolic pulmonary hypertension (Table S3, Zanoni et al. 2023. PubMed ID: 37012328; Bereczky et al. 2025. PubMed ID: 41300788). This variant is reported in 0.16% of alleles in individuals of Ashkenazi Jewish descent in gnomAD, including one homozygote. Although we suspect that this variant may be benign, at this time, the clinical significance of this variant is uncertain due to the absence of conclusive functional and genetic evidence.

Labcorp Genetics (formerly Invitae), Labcorp
Classification: Likely benign. Last evaluated: 2025-04-07. Review status: criteria provided, single submitter. Criteria: Invitae Variant Classification Sherloc (09022015). Collection method: clinical testing. Allele origin: germline.

CeGaT Center for Human Genetics Tuebingen
Classification: Uncertain significance. Last evaluated: 2024-12-01. Review status: criteria provided, single submitter. Criteria: CeGaT Center For Human Genetics Tuebingen Variant Classification Criteria Version 2. Collection method: clinical testing. Allele origin: germline. Affected: yes. Observed: 1 variant allele.
Comment: RNF213: PM2:Supporting, BP4

GeneDx
Classification: Uncertain significance. Last evaluated: 2024-11-20. Review status: criteria provided, single submitter. Criteria: GeneDx Variant Classification Process June 2021. Collection method: clinical testing. Allele origin: germline. Affected: yes.
Comment: In silico analysis supports that this missense variant has a deleterious effect on protein structure/function; This variant is associated with the following publications: (PMID: 34012115, 33809641, 37012328)

Breakthrough Genomics
Classification: Likely benign. Review status: criteria provided, single submitter. Criteria: ACMG Guidelines, 2015. Collection method: not provided. Allele origin: germline. Inheritance: Autosomal dominant inheritance. Affected: yes.